The following is an entry in ClinVar:

ClinVar aggregate classification (germline): Uncertain significance. Review status: criteria provided, multiple submitters, no conflicts (2 of 4 stars). 2 submissions from 2 submitters: Uncertain significance (2). Last evaluated 2024-11-19.

Allele frequency attached by ClinVar (database versions not stated): ExAC 0.00001; gnomAD exomes 0.00002 and 0.00004; gnomAD 0.00004 and 0.00005; TOPMed 0.00004; 1000 Genomes Project 30x 0.00016; 1000 Genomes Project 0.00020.

Submissions (2):

Labcorp Genetics (formerly Invitae), Labcorp
Classification: Uncertain significance. Last evaluated: 2024-11-19. Review status: criteria provided, single submitter. Criteria: Invitae Variant Classification Sherloc (09022015). Collection method: clinical testing. Allele origin: germline.
Comment: This sequence change replaces histidine, which is basic and polar, with glutamine, which is neutral and polar, at codon 58 of the SLC39A7 protein (p.His58Gln). This variant is present in population databases (rs559770742, gnomAD 0.009%). This variant has not been reported in the literature in individuals affected with SLC39A7-related conditions. ClinVar contains an entry for this variant (Variation ID: 1403833). Experimental studies and prediction algorithms are not available or were not evaluated, and the functional significance of this variant is currently unknown. In summary, the available evidence is currently insufficient to determine the role of this variant in disease. Therefore, it has been classified as a Variant of Uncertain Significance.

Blueprint Genetics
Classification: Uncertain significance. Last evaluated: 2022-08-25. Review status: criteria provided, single submitter. Criteria: ACMG Guidelines, 2015. Collection method: clinical testing. Allele origin: germline.

NM_006979.3(SLC39A7):c.174C>G (p.His58Gln)

Gene: SLC39A7 (solute carrier family 39 member 7; plus strand). Cytogenetic location: 6p21.32.
Variant type: single nucleotide variant.
Coding change: c.174C>G on transcript NM_006979.3 (MANE Select); coding-DNA position 174, C replaced by G.
Protein change: p.His58Gln; replaces histidine 58 with glutamine.
Molecular consequence: missense variant. On other transcripts: intron variant (1).
Genome position (GRCh38, 1-based): chr6:33,201,419, C>G. VCF-style: chr6-33201419-C-G. GRCh37 (hg19) VCF-style: chr6-33169196-C-G.
Other names: c.174C>G, p.His58Gln (NM_001077516.2); c.52+31C>G (NM_001288777.2); short protein forms H58Q.
Identifiers: ClinVar variation 1403833 (VCV001403833.5), dbSNP rs559770742, ClinGen allele CA3752210.